The following is an entry in ClinVar:

NM_001375524.1(TRRAP):c.2600C>T (p.Pro867Leu)

Gene: TRRAP (transformation/transcription domain associated protein; plus strand). Cytogenetic location: 7q22.1.
Variant type: single nucleotide variant.
Coding change: c.2600C>T on transcript NM_001375524.1 (MANE Select); coding-DNA position 2600, C replaced by T.
Protein change: p.Pro867Leu; replaces proline 867 with leucine.
Molecular consequence: missense variant.
Genome position (GRCh38, 1-based): chr7:98,917,657, C>T. VCF-style: chr7-98917657-C-T. GRCh37 (hg19) VCF-style: chr7-98515280-C-T.
Other names: c.2600C>T, p.Pro867Leu (NM_001244580.2, NM_003496.4); short protein forms P867L.
Identifiers: ClinVar variation 4873963 (VCV004873963.3).

ClinVar aggregate classification (germline): Uncertain significance. Review status: criteria provided, multiple submitters, no conflicts (2 of 4 stars). 2 submissions from 2 submitters: Uncertain significance (2). Last evaluated 2026-07-01.

Submissions (2):

CeGaT Center for Human Genetics Tuebingen
Classification: Uncertain significance. Last evaluated: 2026-07-01. Review status: criteria provided, single submitter. Criteria: CeGaT Center For Human Genetics Tuebingen Variant Classification Criteria Version 2. Collection method: clinical testing. Allele origin: germline. Affected: yes. Observed: 1 variant allele.
Comment: TRRAP: PM2, PP3

Blueprint Genetics
Classification: Uncertain significance. Last evaluated: 2022-07-11. Review status: criteria provided, single submitter. Criteria: ACMG Guidelines, 2015. Collection method: clinical testing. Allele origin: germline.